The following is an entry in ClinVar:

ClinVar aggregate classification (germline): Uncertain significance. Review status: criteria provided, multiple submitters, no conflicts (2 of 4 stars). 4 submissions from 4 submitters: Uncertain significance (3). 1 of the submissions does not count toward it. Last evaluated 2025-09-01.

Conditions:
Charcot-Marie-Tooth disease type 2E (CMT2E). Also called: CHARCOT-MARIE-TOOTH DISEASE, AXONAL, TYPE 2E; CHARCOT-MARIE-TOOTH NEUROPATHY, TYPE 2E. Identifiers: Orphanet 99939, MedGen C1843225, MONDO:0011894, OMIM 607684.
Charcot-Marie-Tooth disease. Also called: Charcot-Marie-Tooth Neuropathy; Charcot-Marie-Tooth Hereditary Neuropathy. Identifiers: Orphanet 166, MedGen C0007959, MONDO:0015626.

Allele frequency attached by ClinVar (database versions not stated): gnomAD 0.00001; TOPMed 0.00003; ESP Exome Variant Server 0.00008.

Submissions (4):

CeGaT Center for Human Genetics Tuebingen
Classification: Uncertain significance. Last evaluated: 2025-09-01. Review status: criteria provided, single submitter. Criteria: CeGaT Center For Human Genetics Tuebingen Variant Classification Criteria Version 2. Collection method: clinical testing. Allele origin: germline. Affected: yes. Observed: 1 variant allele.
Comment: NEFL: PM2, PP3

Labcorp Genetics (formerly Invitae), Labcorp
Classification: Uncertain significance for Charcot-Marie-Tooth disease type 2E. Last evaluated: 2025-08-19. Review status: criteria provided, single submitter. Criteria: Invitae Variant Classification Sherloc (09022015). Collection method: clinical testing. Allele origin: germline.
Comment: This sequence change replaces alanine, which is neutral and non-polar, with aspartic acid, which is acidic and polar, at codon 346 of the NEFL protein (p.Ala346Asp). This variant is not present in population databases (gnomAD no frequency). This variant has not been reported in the literature in individuals affected with NEFL-related conditions. ClinVar contains an entry for this variant (Variation ID: 695003). Invitae Evidence Modeling of protein sequence and biophysical properties (such as structural, functional, and spatial information, amino acid conservation, physicochemical variation, residue mobility, and thermodynamic stability) indicates that this missense variant is not expected to disrupt NEFL protein function with a negative predictive value of 80%. In summary, the available evidence is currently insufficient to determine the role of this variant in disease. Therefore, it has been classified as a Variant of Uncertain Significance.

Institute of Human Genetics, University of Leipzig Medical Center
Classification: Uncertain significance for Charcot-Marie-Tooth disease type 2E. Last evaluated: 2022-06-01. Review status: criteria provided, single submitter. Criteria: ACMG Guidelines, 2015. Collection method: clinical testing. Allele origin: unknown. Affected: yes.
Comment: _x000D_ Criteria applied: PM1, PM2_SUP

Genesis Genome Database
Classification: Uncertain significance for Charcot-Marie-Tooth disease. Last evaluated: 2019-08-14. Review status: no assertion criteria provided. Collection method: research. Allele origin: germline. Affected: yes. Not counted in ClinVar's aggregate classification.

NM_006158.5(NEFL):c.1037C>A (p.Ala346Asp)

Gene: NEFL (neurofilament light chain; minus strand). Cytogenetic location: 8p21.2.
Variant type: single nucleotide variant.
Coding change: c.1037C>A on transcript NM_006158.5 (MANE Select); coding-DNA position 1037, C replaced by A.
Protein change: p.Ala346Asp; replaces alanine 346 with aspartic acid.
Molecular consequence: missense variant.
Genome position (GRCh38, 1-based): chr8:24,955,479, G>T on the plus strand (C>A on the coding strand, the complement: NEFL is on the minus strand). VCF-style: chr8-24955479-G-T. GRCh37 (hg19) VCF-style: chr8-24812993-G-T.
Other names: short protein forms A346D.
Identifiers: ClinVar variation 695003 (VCV000695003.13), dbSNP rs368370291, ClinGen allele CA174060420.